The following is an entry in ClinVar:

ClinVar aggregate classification (germline): Conflicting classifications of pathogenicity. Review status: criteria provided, conflicting classifications (1 of 4 stars). 7 submissions from 7 submitters: Uncertain significance (6); Likely benign (1). Last evaluated 2026-01-26.

Conditions:
BAP1-related tumor predisposition syndrome (TPDS1). Also called: Tumor susceptibility linked to germline BAP1 mutations; BAP1 tumor predisposition syndrome; TUMOR PREDISPOSITION SYNDROME 1; COMMON Syndrome. Identifiers: Orphanet 289539, MedGen C3280492, MONDO:0013692, OMIM 614327.
Hereditary cancer-predisposing syndrome. Also called: Neoplastic Syndromes, Hereditary; Tumor predisposition; Hereditary neoplastic syndrome; Hereditary Cancer Syndrome. Identifiers: Orphanet 140162, MedGen C0027672, MeSH D009386, MONDO:0015356.

Allele frequency attached by ClinVar (database versions not stated): gnomAD exomes below 0.00001 and 0.00001; TOPMed below 0.00001; gnomAD 0.00001 and 0.00002.

Submissions (7):

Labcorp Genetics (formerly Invitae), Labcorp
Classification: Uncertain significance for BAP1-related tumor predisposition syndrome. Last evaluated: 2026-01-26. Review status: criteria provided, single submitter. Criteria: Invitae Variant Classification Sherloc (09022015). Collection method: clinical testing. Allele origin: germline.
Comment: This sequence change replaces threonine, which is neutral and polar, with isoleucine, which is neutral and non-polar, at codon 444 of the BAP1 protein (p.Thr444Ile). This variant is present in population databases (no rsID available, gnomAD 0.009%). This variant has not been reported in the literature in individuals affected with BAP1-related conditions. ClinVar contains an entry for this variant (Variation ID: 628387). Invitae Evidence Modeling of protein sequence and biophysical properties (such as structural, functional, and spatial information, amino acid conservation, physicochemical variation, residue mobility, and thermodynamic stability) indicates that this missense variant is not expected to disrupt BAP1 protein function with a negative predictive value of 80%. In summary, the available evidence is currently insufficient to determine the role of this variant in disease. Therefore, it has been classified as a Variant of Uncertain Significance.

Color Diagnostics, LLC DBA Color Health
Classification: Uncertain significance for Hereditary cancer-predisposing syndrome. Last evaluated: 2024-03-07. Review status: criteria provided, single submitter. Criteria: ACMG Guidelines, 2015. Collection method: clinical testing. Allele origin: germline.
Comment: This missense variant replaces threonine with isoleucine at codon 444 of the BAP1 protein. Computational prediction suggests that this variant may not impact protein structure and function (internally defined REVEL score threshold <= 0.5, PMID: 27666373). To our knowledge, functional studies have not been reported for this variant. This variant has not been reported in individuals affected with hereditary cancer in the literature. This variant has been identified in 3/251426 chromosomes in the general population by the Genome Aggregation Database (gnomAD). The available evidence is insufficient to determine the role of this variant in disease conclusively. Therefore, this variant is classified as a Variant of Uncertain Significance.

Quest Diagnostics Nichols Institute San Juan Capistrano
Classification: Uncertain significance. Last evaluated: 2024-01-30. Review status: criteria provided, single submitter. Criteria: Quest Diagnostics criteria. Collection method: clinical testing. Allele origin: unknown.
Comment: The BAP1 c.1331C>T (p.Thr444Ile) variant has not been reported in individuals with BAP1-related conditions in the published literature. The frequency of this variant in the general population, 0.000087 (3/34586 chromosomes (Genome Aggregation Database)), is uninformative in the assessment of its pathogenicity. Analysis of this variant using bioinformatics tools for the prediction of the effect of amino acid changes on protein structure and function yielded conflicting predictions that this variant is benign or damaging. Based on the available information, we are unable to determine the clinical significance of this variant.

Baylor Genetics
Classification: Uncertain significance for BAP1-related tumor predisposition syndrome. Last evaluated: 2023-09-12. Review status: criteria provided, single submitter. Criteria: ACMG Guidelines, 2015. Collection method: clinical testing. Allele origin: unknown.

GeneDx
Classification: Uncertain significance. Last evaluated: 2023-04-20. Review status: criteria provided, single submitter. Criteria: GeneDx Variant Classification Process June 2021. Collection method: clinical testing. Allele origin: germline. Affected: yes.
Comment: Not observed at significant frequency in large population cohorts (gnomAD); In silico analysis, which includes protein predictors and evolutionary conservation, supports that this variant does not alter protein structure/function; Has not been previously published as pathogenic or benign to our knowledge

Ambry Genetics
Classification: Likely benign for Hereditary cancer-predisposing syndrome. Last evaluated: 2022-02-07. Review status: criteria provided, single submitter. Criteria: Ambry Variant Classification Scheme 2023. Collection method: clinical testing. Allele origin: germline.

Sema4
Classification: Uncertain significance for Hereditary cancer-predisposing syndrome. Last evaluated: 2021-05-18. Review status: criteria provided, single submitter. Criteria: Sema4 Curation Guidelines. Collection method: curation. Allele origin: germline.
Comment: The BAP1 c.1331C>T (p.T444I) variant has not been reported in the literature to our knowledge. It was observed in 3/34586 chromosomes in the Latino subpopulation according to the Genome Aggregation Database (PMID: 32461654). This variant has been reported in ClinVar (Variation ID 628387). This variant involves a moderately conserved amino acid, and computational analyses suggest that the variant does not impact the function of protein, though these predictions have not been confirmed by published functional studies. The overall evidence is insufficient to meet ACMG/AMP criteria for classifying it as benign or pathogenic. In summary, the clinical significance of this variant is currently uncertain.

NM_004656.4(BAP1):c.1331C>T (p.Thr444Ile)

Gene: BAP1 (BRCA1 associated deubiquitinase 1; minus strand). Cytogenetic location: 3p21.1.
Variant type: single nucleotide variant.
Coding change: c.1331C>T on transcript NM_004656.4 (MANE Select); coding-DNA position 1331, C replaced by T.
Protein change: p.Thr444Ile; replaces threonine 444 with isoleucine.
Molecular consequence: missense variant.
Genome position (GRCh38, 1-based): chr3:52,403,814, G>A on the plus strand (C>T on the coding strand, the complement: BAP1 is on the minus strand). VCF-style: chr3-52403814-G-A. GRCh37 (hg19) VCF-style: chr3-52437830-G-A.
Other names: short protein forms T444I.
Identifiers: ClinVar variation 628387 (VCV000628387.19), dbSNP rs1290996849, ClinGen allele CA353102070.